The following is an entry in ClinVar:

NM_002693.3(POLG):c.1842C>T (p.Tyr614=)

Gene: POLG (DNA polymerase gamma, catalytic subunit; minus strand). Cytogenetic location: 15q26.1.
Variant type: single nucleotide variant.
Coding change: c.1842C>T on transcript NM_002693.3 (MANE Select); coding-DNA position 1842, C replaced by T.
Protein change: p.Tyr614=; no amino-acid change (tyrosine 614 retained).
Molecular consequence: synonymous variant.
Genome position (GRCh38, 1-based): chr15:89,325,557, G>A on the plus strand (C>T on the coding strand, the complement: POLG is on the minus strand). VCF-style: chr15-89325557-G-A. GRCh37 (hg19) VCF-style: chr15-89868788-G-A.
Other names: c.1842C>T, p.Tyr614= (NM_001126131.2).
Identifiers: ClinVar variation 593891 (VCV000593891.19), dbSNP rs62640033, ClinGen allele CA274554413.

ClinVar aggregate classification (germline): Conflicting classifications of pathogenicity. Review status: criteria provided, conflicting classifications (1 of 4 stars). 5 submissions from 5 submitters: Uncertain significance (3); Likely benign (1). 1 of the submissions does not count toward it. Last evaluated 2025-12-28.

Conditions:
POLG-related disorder. Also called: POLG-related condition; POLG-Related Disorders; POLG-Related Spectrum Disorders. Identifiers: MedGen C4763519.
Progressive sclerosing poliodystrophy (MTDPS4A). Also called: ALPERS DIFFUSE DEGENERATION OF CEREBRAL GRAY MATTER WITH HEPATIC CIRRHOSIS; Alpers-Huttenlocher Syndrome; Alpers Syndrome; Mitochondrial DNA Depletion Syndrome 4A; ALPERS PROGRESSIVE INFANTILE POLIODYSTROPHY; Alpers-Huttenlocher Syndrome (AHS). Identifiers: Orphanet 726, MedGen C0205710, MONDO:0008758, OMIM 203700.

Allele frequency attached by ClinVar (database versions not stated): gnomAD exomes 0.00001 and 0.00002; TOPMed 0.00009; gnomAD 0.00009.
gnomAD v4.1: 27 of 1,613,504 alleles (0.0017%); highest among the groups gnomAD compares: African/African-American, 0.025%; no homozygotes.

Submissions (5):

Labcorp Genetics (formerly Invitae), Labcorp
Classification: Likely benign for Progressive sclerosing poliodystrophy. Last evaluated: 2025-12-28. Review status: criteria provided, single submitter. Criteria: Invitae Variant Classification Sherloc (09022015). Collection method: clinical testing. Allele origin: germline.

GeneDx
Classification: Uncertain significance. Last evaluated: 2025-10-08. Review status: criteria provided, single submitter. Criteria: GeneDx Variant Classification Process June 2021. Collection method: clinical testing. Allele origin: germline.
Comment: Has not been previously published as pathogenic or benign to our knowledge; Not observed at significant frequency in large population cohorts (gnomAD); In silico analysis suggests this variant may impact gene splicing. In the absence of RNA/functional studies, the actual effect of this sequence change is unknown.

Athena Diagnostics
Classification: Uncertain significance. Last evaluated: 2023-08-30. Review status: criteria provided, single submitter. Criteria: Athena Diagnostics Criteria. Collection method: clinical testing. Allele origin: unknown.
Comment: Available data are insufficient to determine the clinical significance of the variant at this time. The frequency of this variant in the general population is uninformative in assessment of its pathogenicity. Computational tools yielded predictions that this variant is unlikely to have an effect on normal RNA splicing.

Eurofins Ntd Llc (ga)
Classification: Uncertain significance. Last evaluated: 2017-09-21. Review status: criteria provided, single submitter. Criteria: EGL Classification Definitions 2015. Collection method: clinical testing. Allele origin: germline. Observed: 1 variant allele, 1 heterozygote.

PreventionGenetics, part of Exact Sciences
Classification: Likely benign for POLG-related condition. Last evaluated: 2021-11-19. Review status: no assertion criteria provided. Collection method: clinical testing. Allele origin: germline. Not counted in ClinVar's aggregate classification.
Comment: This variant is classified as likely benign based on ACMG/AMP sequence variant interpretation guidelines (Richards et al. 2015 PMID: 25741868, with internal and published modifications).